The following is an entry in ClinVar:

NM_182961.4(SYNE1):c.4156T>C (p.Ser1386Pro)

Gene: SYNE1 (spectrin repeat containing nuclear envelope protein 1; minus strand). Cytogenetic location: 6q25.2.
Variant type: single nucleotide variant.
Coding change: c.4156T>C on transcript NM_182961.4 (MANE Select); coding-DNA position 4156, T replaced by C.
Protein change: p.Ser1386Pro; replaces serine 1386 with proline.
Molecular consequence: missense variant.
Genome position (GRCh38, 1-based): chr6:152,436,095, A>G on the plus strand (T>C on the coding strand, the complement: SYNE1 is on the minus strand). VCF-style: chr6-152436095-A-G. GRCh37 (hg19) VCF-style: chr6-152757230-A-G.
Other names: c.4177T>C, p.Ser1393Pro (NM_033071.5); short protein forms S1386P, S1393P.
Identifiers: ClinVar variation 538376 (VCV000538376.2), dbSNP rs1554696981, ClinGen allele CA366145249.

ClinVar aggregate classification (germline): Uncertain significance (1 of 4 stars; one submission).

Conditions:
Autosomal recessive ataxia, Beauce type. Also called: SYNE1-Related Autosomal Recessive Cerebellar Ataxia; Spinocerebellar ataxia, autosomal recessive 8; ATAXIA, RECESSIVE, OF BEAUCE; SYNE1 Deficiency. Identifiers: Orphanet 88644, MedGen C1853116, MONDO:0012549, OMIM 610743.
Emery-Dreifuss muscular dystrophy 4, autosomal dominant (EDMD4). Also called: EMERY-DREIFUSS MUSCULAR DYSTROPHY 4 WITH VARIABLE FEATURES. Identifiers: Orphanet 261, MedGen C2751807, MONDO:0013071, OMIM 612998.

Allele frequency attached by ClinVar (database versions not stated): gnomAD exomes below 0.00001.
gnomAD v4.1: 2 of 1,613,790 alleles (0.00012%); highest among the groups gnomAD compares: African/African-American, 0.0027%; no homozygotes.

Submission:

Labcorp Genetics (formerly Invitae), Labcorp
Classification: Uncertain significance for Emery-Dreifuss muscular dystrophy 4, autosomal dominant; Spinocerebellar ataxia, autosomal recessive 8. Last evaluated: 2019-07-18. Review status: criteria provided, single submitter. Criteria: Invitae Variant Classification Sherloc (09022015). Collection method: clinical testing. Allele origin: germline.
Comment: This sequence change replaces serine with proline at codon 1393 of the SYNE1 protein (p.Ser1393Pro). The serine residue is highly conserved and there is a moderate physicochemical difference between serine and proline. This variant is not present in population databases (ExAC no frequency). This variant has not been reported in the literature in individuals with SYNE1-related disease. Algorithms developed to predict the effect of missense changes on protein structure and function do not agree on the potential impact of this missense change (SIFT: "Deleterious"; PolyPhen-2: "Possibly Damaging"; Align-GVGD: "Class C0"). In summary, the available evidence is currently insufficient to determine the role of this variant in disease. Therefore, it has been classified as a Variant of Uncertain Significance.